The following is an entry in ClinVar:

ClinVar aggregate classification (germline): Uncertain significance (1 of 4 stars; one submission).

Conditions:
CHARGE syndrome (CHARGE). Also called: Hittner Hirsch Kreh syndrome; CHARGE ASSOCIATION--COLOBOMA, HEART ANOMALY, CHOANAL ATRESIA, RETARDATION, GENITAL AND EAR ANOMALIES; Coloboma, heart anomaly, choanal atresia, retardation, genital and ear anomalies; CHARGE association; Hall-Hittner syndrome. Identifiers: Orphanet 138, MedGen C0265354, MONDO:0008965.

Submission:

Labcorp Genetics (formerly Invitae), Labcorp
Classification: Uncertain significance for CHARGE syndrome. Last evaluated: 2024-12-16. Review status: criteria provided, single submitter. Criteria: Invitae Variant Classification Sherloc (09022015). Collection method: clinical testing. Allele origin: germline.
Comment: This sequence change replaces glycine, which is neutral and non-polar, with tryptophan, which is neutral and slightly polar, at codon 473 of the CHD7 protein (p.Gly473Trp). This variant is not present in population databases (gnomAD no frequency). This variant has not been reported in the literature in individuals affected with CHD7-related conditions. Invitae Evidence Modeling of protein sequence and biophysical properties (such as structural, functional, and spatial information, amino acid conservation, physicochemical variation, residue mobility, and thermodynamic stability) indicates that this missense variant is not expected to disrupt CHD7 protein function with a negative predictive value of 95%. In summary, the available evidence is currently insufficient to determine the role of this variant in disease. Therefore, it has been classified as a Variant of Uncertain Significance.

NM_017780.4(CHD7):c.1417G>T (p.Gly473Trp)

Gene: CHD7 (chromodomain helicase DNA binding protein 7; plus strand). Cytogenetic location: 8q12.2.
Variant type: single nucleotide variant.
Coding change: c.1417G>T on transcript NM_017780.4 (MANE Select); coding-DNA position 1417, G replaced by T.
Protein change: p.Gly473Trp; replaces glycine 473 with tryptophan.
Molecular consequence: missense variant.
Genome position (GRCh38, 1-based): chr8:60,742,849, G>T. VCF-style: chr8-60742849-G-T. GRCh37 (hg19) VCF-style: chr8-61655408-G-T.
Other names: c.1417G>T, p.Gly473Trp (NM_001316690.1); short protein forms G473W.
Identifiers: ClinVar variation 3637089 (VCV003637089.2).